The following is an entry in ClinVar:

ClinVar aggregate classification (germline): Conflicting classifications of pathogenicity. Review status: criteria provided, conflicting classifications (1 of 4 stars). 2 submissions from 2 submitters: Uncertain significance (1); Likely benign (1). Last evaluated 2023-03-23.

Conditions:
Hereditary cancer-predisposing syndrome. Also called: Hereditary Cancer Syndrome; Tumor predisposition; Hereditary neoplastic syndrome; Neoplastic Syndromes, Hereditary. Identifiers: Orphanet 140162, MedGen C0027672, MeSH D009386, MONDO:0015356.
Hereditary breast ovarian cancer syndrome. Also called: Hereditary breast and/or ovarian cancer syndrome; Hereditary breast and ovarian cancer syndrome; Hereditary breast and ovarian cancer syndrome (HBOC); Breast and ovarian cancer; Hereditary breast and ovarian cancer; BRCA1- and BRCA2-Associated Hereditary Breast and Ovarian Cancer. Identifiers: Orphanet 145, MedGen C0677776, MeSH D061325, MONDO:0003582. Disease mechanism: loss of function.

Submissions (2):

University of Washington Department of Laboratory Medicine, University of Washington
Classification: Likely benign for Hereditary cancer-predisposing syndrome. Last evaluated: 2023-03-23. Review status: criteria provided, single submitter. Criteria: Dines et al. (Genet Med. 2020). Collection method: curation. Allele origin: germline.
Comment: Missense variant in a coldspot region where missense variants are very unlikely to be pathogenic (PMID:31911673).

BRCA1 coldspot (exon 11 using historical exon numbering). Reclassification based on statistical prior probability

Labcorp Genetics (formerly Invitae), Labcorp
Classification: Uncertain significance for Hereditary breast ovarian cancer syndrome. Last evaluated: 2022-01-17. Review status: criteria provided, single submitter. Criteria: Invitae Variant Classification Sherloc (09022015). Collection method: clinical testing. Allele origin: germline.
Comment: In summary, the available evidence is currently insufficient to determine the role of this variant in disease. Therefore, it has been classified as a Variant of Uncertain Significance. Advanced modeling of protein sequence and biophysical properties (such as structural, functional, and spatial information, amino acid conservation, physicochemical variation, residue mobility, and thermodynamic stability) performed at Invitae indicates that this missense variant is not expected to disrupt BRCA1 protein function. ClinVar contains an entry for this variant (Variation ID: 1055953). This variant has not been reported in the literature in individuals affected with BRCA1-related conditions. This variant is not present in population databases (gnomAD no frequency). This sequence change replaces histidine, which is basic and polar, with proline, which is neutral and non-polar, at codon 285 of the BRCA1 protein (p.His285Pro).

NM_007294.4(BRCA1):c.854A>C (p.His285Pro)

Gene: BRCA1 (BRCA1 DNA repair associated; minus strand). Cytogenetic location: 17q21.31.
Variant type: single nucleotide variant.
Coding change: c.854A>C on transcript NM_007294.4 (MANE Select); coding-DNA position 854, A replaced by C.
Protein change: p.His285Pro; replaces histidine 285 with proline.
Molecular consequence: missense variant. On other transcripts: intron variant (137), 5 prime UTR variant (2).
Genome position (GRCh38, 1-based): chr17:43,094,677, T>G on the plus strand (A>C on the coding strand, the complement: BRCA1 is on the minus strand). VCF-style: chr17-43094677-T-G. GRCh37 (hg19) VCF-style: chr17-41246694-T-G.
Other names: c.787+67A>C (NM_007299.4, NM_001407974.1, NM_001407969.1 and 19 more transcripts); c.577+67A>C (NM_001408492.1, NM_001408513.1, NM_001408489.1 and 9 more transcripts); c.643+67A>C (NM_001408468.1, NM_001408470.1, NM_001408464.1 and 3 more transcripts); c.523+67A>C (NM_001408501.1, NM_001408500.1, NM_001408496.1 and 3 more transcripts); c.646+67A>C (NM_001408455.1, NM_001408466.1, NM_001408457.1 and 11 more transcripts); c.520+67A>C (NM_001408503.1, NM_001408505.1, NM_001408504.1); c.574+67A>C (NM_001408490.1, NM_001408493.1, NM_001408491.1); c.454+67A>C (NM_001408502.1); and 40 more; short protein forms H238P, H285P, H197P, H214P, H218P, H243P, H284P, H157P.
Identifiers: ClinVar variation 1055953 (VCV001055953.12), dbSNP rs2154489161, ClinGen allele CA10600376.